The following is an entry in ClinVar:

ClinVar aggregate classification (germline): Uncertain significance (1 of 4 stars; one submission).

Conditions:
Primary ciliary dyskinesia. Also called: Ciliary dyskinesia. Identifiers: Orphanet 244, MedGen C0008780, MONDO:0016575, HP:0012265.

gnomAD v4.1: 10 of 1,613,990 alleles (0.00062%); highest among the groups gnomAD compares: Admixed American, 0.0017%; no homozygotes.

Submission:

Labcorp Genetics (formerly Invitae), Labcorp
Classification: Uncertain significance for Primary ciliary dyskinesia. Last evaluated: 2023-03-10. Review status: criteria provided, single submitter. Criteria: Invitae Variant Classification Sherloc (09022015). Collection method: clinical testing. Allele origin: germline.
Comment: In summary, the available evidence is currently insufficient to determine the role of this variant in disease. Therefore, it has been classified as a Variant of Uncertain Significance. Advanced modeling of protein sequence and biophysical properties (such as structural, functional, and spatial information, amino acid conservation, physicochemical variation, residue mobility, and thermodynamic stability) performed at Invitae indicates that this missense variant is not expected to disrupt DNAH5 protein function. This missense change has been observed in individual(s) with clinical features of primary ciliary dyskinesia (Invitae). This variant is present in population databases (no rsID available, gnomAD 0.003%). This sequence change replaces glycine, which is neutral and non-polar, with valine, which is neutral and non-polar, at codon 2754 of the DNAH5 protein (p.Gly2754Val).

NM_001369.3(DNAH5):c.8261G>T (p.Gly2754Val)

Gene: DNAH5 (dynein axonemal heavy chain 5; minus strand). Cytogenetic location: 5p15.2.
Variant type: single nucleotide variant.
Coding change: c.8261G>T on transcript NM_001369.3 (MANE Select); coding-DNA position 8261, G replaced by T.
Protein change: p.Gly2754Val; replaces glycine 2754 with valine.
Molecular consequence: missense variant.
Genome position (GRCh38, 1-based): chr5:13,792,181, C>A on the plus strand (G>T on the coding strand, the complement: DNAH5 is on the minus strand). VCF-style: chr5-13792181-C-A. GRCh37 (hg19) VCF-style: chr5-13792290-C-A.
Other names: short protein forms G2754V.
Identifiers: ClinVar variation 2913498 (VCV002913498.3), dbSNP rs546101625, ClinGen allele CA359219682.